The following is an entry in ClinVar:

ClinVar aggregate classification (germline): Pathogenic (1 of 4 stars; one submission).

gnomAD v4.1: 4 of 1,613,960 alleles (0.00025%); highest among the groups gnomAD compares: Non-Finnish European, 0.00034%; no homozygotes.

Submission:

Labcorp Genetics (formerly Invitae), Labcorp
Classification: Pathogenic. Last evaluated: 2022-10-05. Review status: criteria provided, single submitter. Criteria: Invitae Variant Classification Sherloc (09022015). Collection method: clinical testing. Allele origin: germline.
Comment: This variant has not been reported in the literature in individuals affected with ALPL-related conditions. This variant is not present in population databases (gnomAD no frequency). This sequence change creates a premature translational stop signal (p.Gln296*) in the ALPL gene. It is expected to result in an absent or disrupted protein product. Loss-of-function variants in ALPL are known to be pathogenic (PMID: 3174660, 10679946, 32973344, 33814268). ClinVar contains an entry for this variant (Variation ID: 1071140). For these reasons, this variant has been classified as Pathogenic.

Literature cited by the submitters: PubMed 3174660; PubMed 10679946; PubMed 32973344; PubMed 33814268.

NM_000478.6(ALPL):c.886C>T (p.Gln296Ter)

Gene: ALPL (alkaline phosphatase, biomineralization associated; plus strand). Cytogenetic location: 1p36.12.
Variant type: single nucleotide variant.
Coding change: c.886C>T on transcript NM_000478.6 (MANE Select); coding-DNA position 886, C replaced by T.
Protein change: p.Gln296Ter; replaces glutamine 296 with a stop codon.
Molecular consequence: nonsense.
Genome position (GRCh38, 1-based): chr1:21,573,688, C>T. VCF-style: chr1-21573688-C-T. GRCh37 (hg19) VCF-style: chr1-21900181-C-T.
Other names: c.721C>T, p.Gln241Ter (NM_001127501.4); c.655C>T, p.Gln219Ter (NM_001177520.3); c.886C>T, p.Gln296Ter (NM_001369803.2, NM_001369804.2, NM_001369805.2); short protein forms Q219*, Q241*, Q296*.
Identifiers: ClinVar variation 1071140 (VCV001071140.7), dbSNP rs2148184336, ClinGen allele CA338880213.
Genomic context (GRCh38, chr1:21,573,688, plus strand): 5'-CCTCTCAGCATCCACATCCTCCTGGCGTCCTCCTCAGGTCTCTTCGAGCCAGGGGACATG[C>T]AGTACGAGCTGAACAGGAACAACGTGACGGACCCGTCACTCTCCGAGATGGTGGTGGTGG-3'